The following is an entry in ClinVar:

ClinVar aggregate classification (germline): Uncertain significance (1 of 4 stars; one submission).

Conditions:
Myopathy, proximal, and ophthalmoplegia (CMYO6). Also called: INCLUSION BODY MYOPATHY 3, AUTOSOMAL DOMINANT; CONGENITAL MYOPATHY 6 WITH OPHTHALMOPLEGIA; MYOPATHY WITH CONGENITAL JOINT CONTRACTURES, OPHTHALMOPLEGIA, AND RIMMED VACUOLES. Identifiers: Orphanet 363677, Orphanet 79091, MedGen C1854106, MONDO:0011577, OMIM 605637.

Submission:

Labcorp Genetics (formerly Invitae), Labcorp
Classification: Uncertain significance for Myopathy, proximal, and ophthalmoplegia. Last evaluated: 2023-10-13. Review status: criteria provided, single submitter. Criteria: Invitae Variant Classification Sherloc (09022015). Collection method: clinical testing. Allele origin: germline.
Comment: This variant, c.1618_1620dup, results in the insertion of 1 amino acid(s) of the MYH2 protein (p.Glu540dup), but otherwise preserves the integrity of the reading frame. This variant is not present in population databases (gnomAD no frequency). This variant has not been reported in the literature in individuals affected with MYH2-related conditions. In summary, the available evidence is currently insufficient to determine the role of this variant in disease. Therefore, it has been classified as a Variant of Uncertain Significance.

NM_017534.6(MYH2):c.1615GAG[3] (p.Glu540_Cys541insGlu)

Genes: MYH2 (myosin heavy chain 2; minus strand), MYHAS (myosin heavy chain gene cluster antisense RNA; plus strand). Cytogenetic location: 17p13.1.
Variant type: Microsatellite.
Coding change: c.1615GAG[3] on transcript NM_017534.6 (MANE Select); three copies in a row of the 3-base unit GAG starting at c.1615; the reference has two copies in a row; one copy, 3 bases duplicated.
Protein change: p.Glu540_Cys541insGlu.
Molecular consequence: inframe insertion.
Genome position (GRCh38, 1-based): chr17:10,537,510-10,537,512, CTC duplicated on the plus strand (GAG on the coding strand, the reverse complement: MYH2 is on the minus strand); duplicating any 3 consecutive bases within chr17:10,537,510-10,537,515 gives the same sequence; the position shown is the placement nearest the transcript's 3' end. VCF-style (leftmost placement, unchanged base first): chr17-10537509-A-ACTC. GRCh37 (hg19) VCF-style: chr17-10440826-A-ACTC.
Other names: c.1615GAG[3], p.Glu540_Cys541insGlu (NM_001100112.2).
Identifiers: ClinVar variation 2836468 (VCV002836468.3), dbSNP rs2508451909, ClinGen allele CA2739267157.